The following is an entry in ClinVar:

ClinVar aggregate classification (germline): Uncertain significance. Review status: criteria provided, single submitter (1 of 4 stars). 2 submissions from 2 submitters: Uncertain significance (1). 1 of the submissions does not count toward it. Last evaluated 2021-08-16.

Conditions:
TSHZ1-related disorder. Also called: TSHZ1-related condition.

Allele frequency attached by ClinVar (database versions not stated): gnomAD 0.00004; TOPMed 0.00008; ExAC 0.00010; ESP Exome Variant Server 0.00015; 1000 Genomes Project 30x 0.00016; 1000 Genomes Project 0.00020.
gnomAD v4.1: 88 of 1,613,510 alleles (0.0055%); highest among the groups gnomAD compares: Admixed American, 0.043%; 1 homozygote.

Submissions (2):

Ambry Genetics
Classification: Uncertain significance. Last evaluated: 2021-08-16. Review status: criteria provided, single submitter. Criteria: Ambry Variant Classification Scheme 2023. Collection method: clinical testing. Allele origin: germline.

PreventionGenetics, part of Exact Sciences
Classification: Likely benign for TSHZ1-related condition. Last evaluated: 2023-09-22. Review status: no assertion criteria provided. Collection method: clinical testing. Allele origin: germline. Not counted in ClinVar's aggregate classification.
Comment: This variant is classified as likely benign based on ACMG/AMP sequence variant interpretation guidelines (Richards et al. 2015 PMID: 25741868, with internal and published modifications).

NM_001308210.2(TSHZ1):c.1786G>A (p.Val596Met)

Gene: TSHZ1 (teashirt zinc finger homeobox 1; plus strand). Cytogenetic location: 18q22.3.
Variant type: single nucleotide variant.
Coding change: c.1786G>A on transcript NM_001308210.2 (MANE Select); coding-DNA position 1786, G replaced by A.
Protein change: p.Val596Met; replaces valine 596 with methionine.
Molecular consequence: missense variant.
Genome position (GRCh38, 1-based): chr18:75,287,193, G>A. VCF-style: chr18-75287193-G-A. GRCh37 (hg19) VCF-style: chr18-72999148-G-A.
Other names: c.1651G>A, p.Val551Met (NM_005786.6); c.1651G>A (NM_005786.5); short protein forms V596M, V551M.
Identifiers: ClinVar variation 2368145 (VCV002368145.4), dbSNP rs139729915, ClinGen allele CA9002115.